The following is an entry in ClinVar:

ClinVar aggregate classification (germline): Uncertain significance (1 of 4 stars; one submission).

gnomAD v4.1: 7 of 1,549,702 alleles (0.00045%); highest among the groups gnomAD compares: East Asian, 0.0097%; no homozygotes.

Submission:

Ambry Genetics
Classification: Uncertain significance. Last evaluated: 2025-03-10. Review status: criteria provided, single submitter. Criteria: Ambry Variant Classification Scheme 2023. Collection method: clinical testing. Allele origin: germline.
Comment: The p.P592S variant (also known as c.1774C>T), located in coding exon 7 of the WNK2 gene, results from a C to T substitution at nucleotide position 1774. The proline at codon 592 is replaced by serine, an amino acid with similar properties. This amino acid position is conserved. In addition, this alteration is predicted to be tolerated by in silico analysis. Based on the available evidence, the clinical significance of this variant remains unclear.

NM_006648.4(WNK2):c.1774C>T (p.Pro592Ser)

Gene: WNK2 (WNK lysine deficient protein kinase 2; plus strand). Cytogenetic location: 9q22.31.
Variant type: single nucleotide variant.
Coding change: c.1774C>T on transcript NM_006648.4 (MANE Select); coding-DNA position 1774, C replaced by T.
Protein change: p.Pro592Ser; replaces proline 592 with serine.
Molecular consequence: missense variant.
Genome position (GRCh38, 1-based): chr9:93,247,774, C>T. VCF-style: chr9-93247774-C-T. GRCh37 (hg19) VCF-style: chr9-96010056-C-T.
Other names: c.1774C>T, p.Pro592Ser (NM_001282394.3); short protein forms P592S.
Identifiers: ClinVar variation 3817258 (VCV003817258.1).